The following is an entry in ClinVar:

ClinVar aggregate classification (germline): Uncertain significance (0 of 4 stars; one submission).

Conditions:
Prostate cancer. Also called: Malignant tumor of prostate. Identifiers: Orphanet 1331, MedGen C0376358, MONDO:0008315, HP:0012125.

Submission:

Science for Life laboratory,  Karolinska Institutet
Classification: Uncertain significance for Malignant tumor of prostate. Review status: no assertion criteria provided. Collection method: not provided. Allele origin: somatic.
Comment: TumorID:SWE-6
ClinVar note: Converted during submission from Unknown to Uncertain significance.

NM_003437.5(ZNF136):c.883T>G (p.Leu295Val)

Gene: ZNF136 (zinc finger protein 136; plus strand). Cytogenetic location: 19p13.2.
Variant type: single nucleotide variant.
Coding change: c.883T>G on transcript NM_003437.5 (MANE Select); coding-DNA position 883, T replaced by G.
Protein change: p.Leu295Val; replaces leucine 295 with valine.
Molecular consequence: missense variant.
Genome position (GRCh38, 1-based): chr19:12,187,261, T>G. VCF-style: chr19-12187261-T-G. GRCh37 (hg19) VCF-style: chr19-12298076-T-G.
Other names: c.685T>G, p.Leu229Val (NM_001348013.2); c.787T>G, p.Leu263Val (NM_001348014.2); short protein forms L295V, L229V, L263V.
Identifiers: ClinVar variation 161614 (VCV000161614.2), dbSNP rs193921014, ClinGen allele CA174454.